The following is an entry in ClinVar:

NM_201384.3(PLEC):c.6377A>G (p.Gln2126Arg)

Gene: PLEC (plectin; minus strand). Cytogenetic location: 8q24.3.
Variant type: single nucleotide variant.
Coding change: c.6377A>G on transcript NM_201384.3 (MANE Select); coding-DNA position 6377, A replaced by G.
Protein change: p.Gln2126Arg; replaces glutamine 2126 with arginine.
Molecular consequence: missense variant. On other transcripts: intron variant (1).
Genome position (GRCh38, 1-based): chr8:143,923,552, T>C on the plus strand (A>G on the coding strand, the complement: PLEC is on the minus strand). VCF-style: chr8-143923552-T-C. GRCh37 (hg19) VCF-style: chr8-144997720-T-C.
Other names: c.6458A>G, p.Gln2153Arg (NM_000445.5); c.6335A>G, p.Gln2112Arg (NM_201378.4); c.6311A>G, p.Gln2104Arg (NM_201379.3); c.6788A>G, p.Gln2263Arg (NM_201380.4); c.6281A>G, p.Gln2094Arg (NM_201381.3); c.6377A>G, p.Gln2126Arg (NM_201382.4); c.6389A>G, p.Gln2130Arg (NM_201383.3); c.4126-1157A>G (NM_001410941.1); short protein forms Q2126R, Q2153R, Q2094R, Q2112R, Q2130R, Q2263R, Q2104R.
Identifiers: ClinVar variation 2939025 (VCV002939025.3), dbSNP rs1823704606, ClinGen allele CA372535020.

ClinVar aggregate classification (germline): Uncertain significance (1 of 4 stars; one submission).

Conditions:
Epidermolysis bullosa simplex with nail dystrophy (EBS5D). Identifiers: MedGen C4225309, MONDO:0014661, OMIM 616487.
Epidermolysis bullosa simplex, Ogna type (EBS5A). Also called: Pidermolysis bullosa simplex 5A, Ogna type; EPIDERMOLYSIS BULLOSA SIMPLEX 5A, OGNA TYPE. Identifiers: Orphanet 79401, MedGen C0432317, MONDO:0007555, OMIM 131950.
Autosomal recessive limb-girdle muscular dystrophy type 2Q (LGMDR17). Also called: MUSCULAR DYSTROPHY, LIMB-GIRDLE, AUTOSOMAL RECESSIVE 17. Identifiers: Orphanet 254361, MedGen C3150989, MONDO:0013390, OMIM 613723.
Epidermolysis bullosa simplex 5B, with muscular dystrophy (EBS5B). Also called: EPIDERMOLYSIS BULLOSA SIMPLEX AND LIMB-GIRDLE MUSCULAR DYSTROPHY; Epidermolysis bullosa simplex with muscular dystrophy. Identifiers: Orphanet 257, MedGen C2931072, MONDO:0009181, OMIM 226670.
Epidermolysis bullosa simplex 5C, with pyloric atresia (EBS5C). Also called: PLEC-Related Epidermolysis Bullosa with Pyloric Atresia; Epidermolysis bullosa simplex with pyloric atresia; PLEC1-Related Epidermolysis Bullosa with Pyloric Atresia. Identifiers: Orphanet 158684, MedGen C2677349, MONDO:0012807, OMIM 612138.

Allele frequency attached by ClinVar (database versions not stated): gnomAD exomes 0.00001.
gnomAD v4.1: 12 of 1,597,816 alleles (0.00075%); highest among the groups gnomAD compares: Non-Finnish European, 0.001%; no homozygotes.

Submission:

Labcorp Genetics (formerly Invitae), Labcorp
Classification: Uncertain significance for Autosomal recessive limb-girdle muscular dystrophy type 2Q; Epidermolysis bullosa simplex, Ogna type; Epidermolysis bullosa simplex with nail dystrophy; Epidermolysis bullosa simplex 5C, with pyloric atresia; Epidermolysis bullosa simplex 5B, with muscular dystrophy. Last evaluated: 2023-11-20. Review status: criteria provided, single submitter. Criteria: Invitae Variant Classification Sherloc (09022015). Collection method: clinical testing. Allele origin: germline.
Comment: This sequence change replaces glutamine, which is neutral and polar, with arginine, which is basic and polar, at codon 2153 of the PLEC protein (p.Gln2153Arg). This variant is not present in population databases (gnomAD no frequency). This variant has not been reported in the literature in individuals affected with PLEC-related conditions. Algorithms developed to predict the effect of missense changes on protein structure and function output the following: SIFT: "Not Available"; PolyPhen-2: "Benign"; Align-GVGD: "Not Available". The arginine amino acid residue is found in multiple mammalian species, which suggests that this missense change does not adversely affect protein function. In summary, the available evidence is currently insufficient to determine the role of this variant in disease. Therefore, it has been classified as a Variant of Uncertain Significance.